The following is an entry in ClinVar:

NM_005045.4(RELN):c.4345G>A (p.Glu1449Lys)

Gene: RELN (reelin; minus strand). Cytogenetic location: 7q22.1.
Variant type: single nucleotide variant.
Coding change: c.4345G>A on transcript NM_005045.4 (MANE Select); coding-DNA position 4345, G replaced by A.
Protein change: p.Glu1449Lys; replaces glutamic acid 1449 with lysine.
Molecular consequence: missense variant.
Genome position (GRCh38, 1-based): chr7:103,574,258, C>T on the plus strand (G>A on the coding strand, the complement: RELN is on the minus strand). VCF-style: chr7-103574258-C-T. GRCh37 (hg19) VCF-style: chr7-103214705-C-T.
Other names: c.4345G>A, p.Glu1449Lys (NM_173054.3); short protein forms E1449K.
Identifiers: ClinVar variation 3369083 (VCV003369083.1).
Genomic context (GRCh38, chr7:103,574,258, plus strand): 5'-GGGCACCTGTTATCTTGTACCACAGAGGGCTGAGCTTCCCCTCAAACCTATCGAACATCT[C>T]ATTGTGATTGGGGACATTTGACACACAGGTTCCTTGTGCAGCTTCAGAAAAAGAAATAGA-3'
Protein context (NP_005036.2, residues 1439-1459): TCVSNVPNHN[Glu1449Lys]MFDRFEGKLS

ClinVar aggregate classification (germline): Uncertain significance (1 of 4 stars; one submission).

Submission:

GeneDx
Classification: Uncertain significance. Last evaluated: 2024-02-08. Review status: criteria provided, single submitter. Criteria: GeneDx Variant Classification Process June 2021. Collection method: clinical testing. Allele origin: germline. Affected: yes.
Comment: Not observed at significant frequency in large population cohorts (gnomAD); In silico analysis supports that this missense variant does not alter protein structure/function; Has not been previously published as pathogenic or benign to our knowledge